The following is an entry in ClinVar:

ClinVar aggregate classification (germline): Likely benign. Review status: criteria provided, multiple submitters, no conflicts (2 of 4 stars). 4 submissions from 4 submitters: Likely benign (3). 1 of the submissions does not count toward it. Last evaluated 2025-12-01.

Conditions:
DLL1-related disorder. Also called: DLL1-related condition.
Inborn genetic diseases. Identifiers: MedGen C0950123, MeSH D030342.

Allele frequency attached by ClinVar (database versions not stated): TOPMed 0.00001; gnomAD 0.00005; ExAC 0.00013; 1000 Genomes Project 30x 0.00031; 1000 Genomes Project 0.00040.
gnomAD v4.1: 103 of 1,614,178 alleles (0.0064%); highest among the groups gnomAD compares: South Asian, 0.09%; no homozygotes.

Submissions (4):

CeGaT Center for Human Genetics Tuebingen
Classification: Likely benign. Last evaluated: 2025-12-01. Review status: criteria provided, single submitter. Criteria: CeGaT Center For Human Genetics Tuebingen Variant Classification Criteria Version 2. Collection method: clinical testing. Allele origin: germline. Affected: yes. Observed: 1 variant allele.
Comment: DLL1: BS2

Ambry Genetics
Classification: Likely benign for Inborn genetic diseases. Last evaluated: 2025-06-23. Review status: criteria provided, single submitter. Criteria: Ambry Variant Classification Scheme 2023. Collection method: clinical testing. Allele origin: germline.

Labcorp Genetics (formerly Invitae), Labcorp
Classification: Likely benign. Last evaluated: 2024-10-28. Review status: criteria provided, single submitter. Criteria: Invitae Variant Classification Sherloc (09022015). Collection method: clinical testing. Allele origin: germline.

PreventionGenetics, part of Exact Sciences
Classification: Likely benign for DLL1-related condition. Last evaluated: 2022-09-03. Review status: no assertion criteria provided. Collection method: clinical testing. Allele origin: germline. Not counted in ClinVar's aggregate classification.
Comment: This variant is classified as likely benign based on ACMG/AMP sequence variant interpretation guidelines (Richards et al. 2015 PMID: 25741868, with internal and published modifications).

NM_005618.4(DLL1):c.2125G>A (p.Val709Ile)

Genes: DLL1 (delta like canonical Notch ligand 1; minus strand), LOC126859913 (P300/CBP strongly-dependent group 1 enhancer GRCh37_chr6:170591232-170592431; plus strand). Cytogenetic location: 6q27.
Variant type: single nucleotide variant.
Coding change: c.2125G>A on transcript NM_005618.4 (MANE Select); coding-DNA position 2125, G replaced by A.
Protein change: p.Val709Ile; replaces valine 709 with isoleucine.
Molecular consequence: missense variant.
Genome position (GRCh38, 1-based): chr6:170,283,029, C>T on the plus strand (G>A on the coding strand, the complement: DLL1 is on the minus strand). VCF-style: chr6-170283029-C-T. GRCh37 (hg19) VCF-style: chr6-170592117-C-T.
Other names: c.2125G>A (NM_005618.3); short protein forms V709I.
Identifiers: ClinVar variation 2419959 (VCV002419959.15), dbSNP rs558852722, ClinGen allele CA4106608.